The following is an entry in ClinVar:

NC_000016.10:g.(?_138130)_(138287_?)del

Gene: NPRL3 (NPR3 like, GATOR1 complex subunit; minus strand). Cytogenetic location: 16p13.3.
Variant type: Deletion.
Identifiers: ClinVar variation 832358 (VCV000832358.2).

ClinVar aggregate classification (germline): Pathogenic (1 of 4 stars; one submission).

Conditions:
Epilepsy, familial focal, with variable foci 3 (FFEVF3). Identifiers: MedGen C4310708, MONDO:0014925, OMIM 617118.

Submission:

Labcorp Genetics (formerly Invitae), Labcorp
Classification: Pathogenic for Epilepsy, familial focal, with variable foci 3. Last evaluated: 2020-03-14. Review status: criteria provided, single submitter. Criteria: Invitae Variant Classification Sherloc (09022015). Collection method: clinical testing. Allele origin: germline.
Comment: This variant is a gross deletion of the genomic region encompassing exon 2 of the NPRL3 gene, which includes the initiator codon. The 5' end of this event is unknown as it extends beyond the assayed region for this gene and therefore may encompass additional genes. The 3' boundary is likely confined to intron 2 of the NPRL3 gene. This is expected to result in an absent or disrupted protein product. This variant has not been reported in the literature in individuals with NPRL3-related conditions. Loss-of-function variants in NPRL3 are known to be pathogenic (PMID: 26285051, 26505888). For these reasons, this variant has been classified as Pathogenic.

Literature cited by the submitters: PubMed 26285051; PubMed 26505888.